The following is an entry in ClinVar:

NM_006186.4(NR4A2):c.1579C>G (p.Leu527Val)

Gene: NR4A2 (nuclear receptor subfamily 4 group A member 2; minus strand). Cytogenetic location: 2q24.1.
Variant type: single nucleotide variant.
Coding change: c.1579C>G on transcript NM_006186.4 (MANE Select); coding-DNA position 1579, C replaced by G.
Protein change: p.Leu527Val; replaces leucine 527 with valine.
Molecular consequence: missense variant.
Genome position (GRCh38, 1-based): chr2:156,325,962, G>C on the plus strand (C>G on the coding strand, the complement: NR4A2 is on the minus strand). VCF-style: chr2-156325962-G-C. GRCh37 (hg19) VCF-style: chr2-157182474-G-C.
Other names: c.1390C>G, p.Leu464Val (NM_173173.3); short protein forms L464V, L527V.
Identifiers: ClinVar variation 2580845 (VCV002580845.1), dbSNP rs2468270435, ClinGen allele CA348679807.

ClinVar aggregate classification (germline): Uncertain significance (1 of 4 stars; one submission).

Submission:

GeneDx
Classification: Uncertain significance. Last evaluated: 2023-03-07. Review status: criteria provided, single submitter. Criteria: GeneDx Variant Classification Process June 2021. Collection method: clinical testing. Allele origin: germline. Affected: yes.
Comment: Not observed at significant frequency in large population cohorts (gnomAD); In silico analysis supports that this missense variant does not alter protein structure/function; Has not been previously published as pathogenic or benign to our knowledge